The following is an entry in ClinVar:

NM_006734.4(HIVEP2):c.4963A>G (p.Thr1655Ala)

Gene: HIVEP2 (HIVEP zinc finger 2; minus strand). Cytogenetic location: 6q24.2.
Variant type: single nucleotide variant.
Coding change: c.4963A>G on transcript NM_006734.4 (MANE Select); coding-DNA position 4963, A replaced by G.
Protein change: p.Thr1655Ala; replaces threonine 1655 with alanine.
Molecular consequence: missense variant.
Genome position (GRCh38, 1-based): chr6:142,769,776, T>C on the plus strand (A>G on the coding strand, the complement: HIVEP2 is on the minus strand). VCF-style: chr6-142769776-T-C. GRCh37 (hg19) VCF-style: chr6-143090913-T-C.
Other names: c.4963A>G, p.Thr1655Ala (NM_001438449.1, NM_001438450.1, NM_001438451.1); short protein forms T1655A.
Identifiers: ClinVar variation 4772579 (VCV004772579.1).
Genomic context (GRCh38, chr6:142,769,776, plus strand): 5'-TGCACCATGAAGCATAAACCGAGGATTTGAAGGTGGCCTGTTGCACATAATTGGGTTTTG[T>C]ATAATTCAAGAAGCACCAACTCACAGTAGTTGTTGTCCGCAGACTGGGGAACTGAAGAAT-3'
Protein context (NP_006725.3, residues 1645-1665): TTVSWCFLNY[Thr1655Ala]KPNYVQQATF

ClinVar aggregate classification (germline): Uncertain significance (1 of 4 stars; one submission).

gnomAD v4.1: 1 of 1,614,216 alleles (0.000062%); highest among the groups gnomAD compares: Non-Finnish European, 0.000085%; no homozygotes.

Submission:

Labcorp Genetics (formerly Invitae), Labcorp
Classification: Uncertain significance. Last evaluated: 2025-11-23. Review status: criteria provided, single submitter. Criteria: Invitae Variant Classification Sherloc (09022015). Collection method: clinical testing. Allele origin: germline.
Comment: This sequence change replaces threonine, which is neutral and polar, with alanine, which is neutral and non-polar, at codon 1655 of the HIVEP2 protein (p.Thr1655Ala). This variant is present in population databases (rs754023705, gnomAD 0.0009%). This variant has not been reported in the literature in individuals affected with HIVEP2-related conditions. Invitae Evidence Modeling of protein sequence and biophysical properties (such as structural, functional, and spatial information, amino acid conservation, physicochemical variation, residue mobility, and thermodynamic stability) indicates that this missense variant is not expected to disrupt HIVEP2 protein function with a negative predictive value of 80%. In summary, the available evidence is currently insufficient to determine the role of this variant in disease. Therefore, it has been classified as a Variant of Uncertain Significance.